The following is an entry in ClinVar:

ClinVar aggregate classification (germline): Likely pathogenic (1 of 4 stars; one submission).

Submission:

GeneDx
Classification: Likely pathogenic. Last evaluated: 2026-08-26. Review status: criteria provided, single submitter. Criteria: GeneDx Variant Classification Process June 2021. Collection method: clinical testing. Allele origin: germline.
Comment: Frameshift variant predicted to result in protein truncation or nonsense mediated decay in a gene for which loss of function is a known mechanism of disease; Not observed at significant frequency in large population cohorts (gnomAD); Has not been previously published as pathogenic or benign to our knowledge

NM_144991.3(TSPEAR):c.978_979del (p.Glu326fs)

Gene: TSPEAR (thrombospondin type laminin G domain and EAR repeats; minus strand). Cytogenetic location: 21q22.3.
Variant type: Microsatellite.
Coding change: c.978_979del on transcript NM_144991.3 (MANE Select); coding-DNA positions 978 to 979, 2 bases deleted (GA; older notation c.978_979delGA).
Protein change: p.Glu326fs; shifts the reading frame from glutamic acid 326.
Molecular consequence: frameshift variant.
Genome position (GRCh38, 1-based): chr21:44,527,462-44,527,463, TC deleted on the plus strand (GA on the coding strand, the reverse complement: TSPEAR is on the minus strand); deleting any 2 consecutive bases within chr21:44,527,462-44,527,466 gives the same sequence; the c. name uses the placement nearest the transcript's 3' end. VCF-style (leftmost placement, unchanged base first): chr21-44527461-GTC-G. GRCh37 (hg19) VCF-style: chr21-45947344-GTC-G.
Other names: c.774_775del, p.Glu258fs (NM_001272037.2); c.978_979delGA (NM_144991.2); c.978_979del (NM_144991.2); short protein forms E258fs, E326fs.
Identifiers: ClinVar variation 817773 (VCV000817773.2), dbSNP rs1569165728, ClinGen allele CA915952647.